The following is an entry in ClinVar:

ClinVar aggregate classification (germline): Uncertain significance (1 of 4 stars; one submission).

Submission:

GeneDx
Classification: Uncertain significance. Last evaluated: 2022-10-14. Review status: criteria provided, single submitter. Criteria: GeneDx Variant Classification Process June 2021. Collection method: clinical testing. Allele origin: germline. Affected: yes.
Comment: Not observed at significant frequency in large population cohorts (gnomAD); In silico analysis supports that this missense variant does not alter protein structure/function; Has not been previously published as pathogenic or benign to our knowledge; This variant is associated with the following publications: (PMID: 28545555)

NM_152703.5(SAMD9L):c.1423G>C (p.Asp475His)

Gene: SAMD9L (sterile alpha motif domain containing 9 like; minus strand). Cytogenetic location: 7q21.2.
Variant type: single nucleotide variant.
Coding change: c.1423G>C on transcript NM_152703.5 (MANE Select); coding-DNA position 1423, G replaced by C.
Protein change: p.Asp475His; replaces aspartic acid 475 with histidine.
Molecular consequence: missense variant.
Genome position (GRCh38, 1-based): chr7:93,134,549, C>G on the plus strand (G>C on the coding strand, the complement: SAMD9L is on the minus strand). VCF-style: chr7-93134549-C-G. GRCh37 (hg19) VCF-style: chr7-92763862-C-G.
Other names: c.1423G>C, p.Asp475His (NM_001303496.3, NM_001303497.3, NM_001303498.3 and 5 more transcripts); short protein forms D475H.
Identifiers: ClinVar variation 2499225 (VCV002499225.1), dbSNP rs2535428597, ClinGen allele CA368196705.